The following is an entry in ClinVar:

ClinVar aggregate classification (germline): Conflicting classifications of pathogenicity. Review status: criteria provided, conflicting classifications (1 of 4 stars). 3 submissions from 3 submitters: Uncertain significance (2); Likely benign (1). Last evaluated 2025-05-20.

Conditions:
Hereditary cancer-predisposing syndrome. Also called: Neoplastic Syndromes, Hereditary; Hereditary Cancer Syndrome; Hereditary neoplastic syndrome; Tumor predisposition. Identifiers: Orphanet 140162, MedGen C0027672, MeSH D009386, MONDO:0015356.
Gorlin syndrome. Also called: Nevoid Basal Cell Carcinoma Syndrome; Basal cell nevus syndrome. Identifiers: Orphanet 377, MedGen C0004779, MONDO:0007187.
PTCH1-related disorder. Also called: PTCH1-related disorders; PTCH1-related condition.

Allele frequency attached by ClinVar (database versions not stated): gnomAD exomes below 0.00001; TOPMed below 0.00001; gnomAD 0.00001.
gnomAD v4.1: 5 of 1,614,048 alleles (0.00031%); highest among the groups gnomAD compares: Admixed American, 0.005%; no homozygotes.

Submissions (3):

Ambry Genetics
Classification: Uncertain significance for Hereditary cancer-predisposing syndrome. Last evaluated: 2025-05-20. Review status: criteria provided, single submitter. Criteria: Ambry Variant Classification Scheme 2023. Collection method: clinical testing. Allele origin: germline.
Comment: The p.A810V variant (also known as c.2429C>T), located in coding exon 15 of the PTCH1 gene, results from a C to T substitution at nucleotide position 2429. The alanine at codon 810 is replaced by valine, an amino acid with similar properties. The variant was identified in a cohort of individuals who underwent genetic testing due to suspected rare genetic disease (Thorpe E et al. Am J Hum Genet, 2024 Jul;111:1271-1281). This amino acid position is highly conserved in available vertebrate species. In addition, this alteration is predicted to be deleterious by in silico analysis. Based on the available evidence, the clinical significance of this variant remains unclear.

Labcorp Genetics (formerly Invitae), Labcorp
Classification: Likely benign for Gorlin syndrome. Last evaluated: 2025-05-17. Review status: criteria provided, single submitter. Criteria: Invitae Variant Classification Sherloc (09022015). Collection method: clinical testing. Allele origin: germline.

Illumina Laboratory Services, Illumina
Classification: Uncertain significance for PTCH1-related disorders. Last evaluated: 2019-05-15. Review status: criteria provided, single submitter. Criteria: ICSLVariantClassificationCriteria RUGD 01 April 2020. Collection method: clinical testing. Allele origin: unknown.
Comment: The PTCH1 c.2429C>T (p.Ala810Val) variant is a missense variant. A literature search was performed for the gene, cDNA change, and amino acid change. No publications were found based on this search. The variant is reported at a frequency of 0.000029 in the Latino population from the Genome Aggregation Database though this is based on one allele in a region of good sequencing coverage, so the variant is presumed to be rare. Based on the limited evidence, the p.Ala810Val variant is classified as a variant of uncertain significance for PTCH1-related disorders.

Literature cited by the submitters: PubMed 38843839 (cited by Ambry Genetics).

NM_000264.5(PTCH1):c.2429C>T (p.Ala810Val)

Genes: PTCH1 (patched 1; minus strand), LOC100507346 (uncharacterized LOC100507346; plus strand). Cytogenetic location: 9q22.32.
Variant type: single nucleotide variant.
Coding change: c.2429C>T on transcript NM_000264.5 (MANE Select); coding-DNA position 2429, C replaced by T.
Protein change: p.Ala810Val; replaces alanine 810 with valine.
Molecular consequence: missense variant. On other transcripts: non-coding transcript variant (1).
Genome position (GRCh38, 1-based): chr9:95,467,247, G>A on the plus strand (C>T on the coding strand, the complement: PTCH1 is on the minus strand). VCF-style: chr9-95467247-G-A. GRCh37 (hg19) VCF-style: chr9-98229529-G-A.
Other names: c.2231C>T, p.Ala744Val (NM_001083602.3); c.2426C>T, p.Ala809Val (NM_001083603.3); c.1976C>T, p.Ala659Val (NM_001083604.3, NM_001083605.3, NM_001083606.3 and 1 more transcripts); c.2273C>T, p.Ala758Val (NM_001354918.2); short protein forms A744V, A809V, A810V, A758V, A659V.
Identifiers: ClinVar variation 850534 (VCV000850534.16), dbSNP rs1228732568, ClinGen allele CA374114214.
Genomic context (GRCh38, chr9:95,467,247, plus strand): 5'-TTCACGTTACTGAAACTCCTGTGTAGGTCGTAAAGTAAGTGCTGGATATTCGGGTAGTCT[G>A]CTTTCTGGGTGACTATATACATGTTGTAGAAAGAAAAGTATTTGAATTGTGCAGCAATAA-3'
Protein context (NP_000255.2, residues 800-820): FYNMYIVTQK[Ala810Val]DYPNIQHLLY